The following is an entry in ClinVar:

NM_001162498.3(LPAR6):c.132C>T (p.Cys44=)

Genes: LPAR6 (lysophosphatidic acid receptor 6; minus strand), RB1 (RB transcriptional corepressor 1; plus strand). Cytogenetic location: 13q14.2.
Variant type: single nucleotide variant.
Coding change: c.132C>T on transcript NM_001162498.3 (MANE Select); coding-DNA position 132, C replaced by T.
Protein change: p.Cys44=; no amino-acid change (cysteine 44 retained).
Molecular consequence: synonymous variant. On other transcripts: intron variant (2).
Genome position (GRCh38, 1-based): chr13:48,412,292, G>A on the plus strand (C>T on the coding strand, the complement: LPAR6 is on the minus strand). VCF-style: chr13-48412292-G-A. GRCh37 (hg19) VCF-style: chr13-48986428-G-A.
Other names: c.132C>T, p.Cys44= (NM_001162497.3, NM_001377316.2, NM_001377317.2 and 1 more transcripts); c.1695+30849G>A (NM_001407165.1, NM_000321.3).
Identifiers: ClinVar variation 3016007 (VCV003016007.13), dbSNP rs1002723835, ClinGen allele CA249285147.

ClinVar aggregate classification (germline): Likely benign. Review status: criteria provided, multiple submitters, no conflicts (2 of 4 stars). 2 submissions from 2 submitters: Likely benign (2). Last evaluated 2026-06-01.

Allele frequency attached by ClinVar (database versions not stated): TOPMed 0.00002.
gnomAD v4.1: 9 of 1,613,482 alleles (0.00056%); highest among the groups gnomAD compares: Admixed American, 0.0017%; no homozygotes.

Submissions (2):

CeGaT Center for Human Genetics Tuebingen
Classification: Likely benign. Last evaluated: 2026-06-01. Review status: criteria provided, single submitter. Criteria: CeGaT Center For Human Genetics Tuebingen Variant Classification Criteria Version 2. Collection method: clinical testing. Allele origin: germline. Affected: yes. Observed: 2 variant alleles.
Comment: LPAR6: BP4, BP7

Labcorp Genetics (formerly Invitae), Labcorp
Classification: Likely benign. Last evaluated: 2023-04-06. Review status: criteria provided, single submitter. Criteria: Invitae Variant Classification Sherloc (09022015). Collection method: clinical testing. Allele origin: germline.